The following is an entry in ClinVar:

NM_001128228.3(TPRN):c.850C>A (p.Arg284Ser)

Gene: TPRN (taperin; minus strand). Cytogenetic location: 9q34.3.
Variant type: single nucleotide variant.
Coding change: c.850C>A on transcript NM_001128228.3 (MANE Select); coding-DNA position 850, C replaced by A.
Protein change: p.Arg284Ser; replaces arginine 284 with serine.
Molecular consequence: missense variant.
Genome position (GRCh38, 1-based): chr9:137,199,862, G>T on the plus strand (C>A on the coding strand, the complement: TPRN is on the minus strand). VCF-style: chr9-137199862-G-T. GRCh37 (hg19) VCF-style: chr9-140094314-G-T.
Other names: short protein forms R284S.
Identifiers: ClinVar variation 1392956 (VCV001392956.6), dbSNP rs2131354572, ClinGen allele CA375779440.

ClinVar aggregate classification (germline): Uncertain significance (1 of 4 stars; one submission).

Submission:

Labcorp Genetics (formerly Invitae), Labcorp
Classification: Uncertain significance. Last evaluated: 2021-11-12. Review status: criteria provided, single submitter. Criteria: Invitae Variant Classification Sherloc (09022015). Collection method: clinical testing. Allele origin: germline.
Comment: This sequence change replaces arginine, which is basic and polar, with serine, which is neutral and polar, at codon 284 of the TPRN protein (p.Arg284Ser). This variant is not present in population databases (gnomAD no frequency). In summary, the available evidence is currently insufficient to determine the role of this variant in disease. Therefore, it has been classified as a Variant of Uncertain Significance. Algorithms developed to predict the effect of missense changes on protein structure and function are either unavailable or do not agree on the potential impact of this missense change (SIFT: "Tolerated"; PolyPhen-2: "Possibly Damaging"; Align-GVGD: "Class C0"). This variant has not been reported in the literature in individuals affected with TPRN-related conditions.